The following is an entry in ClinVar:

ClinVar aggregate classification (germline): Uncertain significance (1 of 4 stars; one submission).

Submission:

GeneDx
Classification: Uncertain significance. Last evaluated: 2023-02-07. Review status: criteria provided, single submitter. Criteria: GeneDx Variant Classification Process June 2021. Collection method: clinical testing. Allele origin: germline. Affected: yes.
Comment: Not observed at significant frequency in large population cohorts (gnomAD); In silico analysis supports a deleterious effect on splicing; Has not been previously published as pathogenic or benign to our knowledge

NM_001009944.3(PKD1):c.335C>G (p.Ala112Gly)

Gene: PKD1 (polycystin 1, transient receptor potential channel interacting; minus strand). Cytogenetic location: 16p13.3.
Variant type: single nucleotide variant.
Coding change: c.335C>G on transcript NM_001009944.3 (MANE Select); coding-DNA position 335, C replaced by G.
Protein change: p.Ala112Gly; replaces alanine 112 with glycine.
Molecular consequence: missense variant.
Genome position (GRCh38, 1-based): chr16:2,119,138, G>C on the plus strand (C>G on the coding strand, the complement: PKD1 is on the minus strand). VCF-style: chr16-2119138-G-C. GRCh37 (hg19) VCF-style: chr16-2169139-G-C.
Other names: c.335C>G, p.Ala112Gly (NM_000296.4); short protein forms A112G.
Identifiers: ClinVar variation 2574767 (VCV002574767.1), dbSNP rs1261496619, ClinGen allele CA394395898.